The following is an entry in ClinVar:

ClinVar aggregate classification (germline): Uncertain significance (1 of 4 stars; one submission).

Conditions:
Hereditary cancer-predisposing syndrome. Also called: Neoplastic Syndromes, Hereditary; Tumor predisposition; Hereditary neoplastic syndrome; Hereditary Cancer Syndrome. Identifiers: Orphanet 140162, MedGen C0027672, MeSH D009386, MONDO:0015356.

Submission:

Ambry Genetics
Classification: Uncertain significance for Hereditary cancer-predisposing syndrome. Last evaluated: 2026-06-17. Review status: criteria provided, single submitter. Criteria: Ambry Variant Classification Scheme 2023. Collection method: clinical testing. Allele origin: germline.
Comment: The p.N2145T variant (also known as c.6434A>C), located in coding exon 10 of the BRCA2 gene, results from an A to C substitution at nucleotide position 6434. The asparagine at codon 2145 is replaced by threonine, an amino acid with similar properties. This amino acid position is not well conserved in available vertebrate species. In addition, this alteration is predicted to be tolerated by in silico analysis. Based on the available evidence, the clinical significance of this variant remains unclear.

NM_000059.4(BRCA2):c.6434A>C (p.Asn2145Thr)

Gene: BRCA2 (BRCA2 DNA repair associated; plus strand). Cytogenetic location: 13q13.1.
Variant type: single nucleotide variant.
Coding change: c.6434A>C on transcript NM_000059.4 (MANE Select); coding-DNA position 6434, A replaced by C.
Protein change: p.Asn2145Thr; replaces asparagine 2145 with threonine.
Molecular consequence: missense variant. On other transcripts: non-coding transcript variant (1), intron variant (2).
Genome position (GRCh38, 1-based): chr13:32,340,789, A>C. VCF-style: chr13-32340789-A-C. GRCh37 (hg19) VCF-style: chr13-32914926-A-C.
Other names: c.6434A>C, p.Asn2145Thr (NM_001406719.1, NM_001406720.1, NM_001432077.1); c.1910-3769A>C (NM_001406721.1); c.425-3769A>C (NM_001406722.1); short protein forms N2145T.
Identifiers: ClinVar variation 5033239 (VCV005033239.1).
Genomic context (GRCh38, chr13:32,340,789, plus strand): 5'-CCTGCAGTAAAGAATTTAAATTATCAAATAACTTAAATGTTGAAGGTGGTTCTTCAGAAA[A>C]TAATCACTCTATTAAAGTTTCTCCATATCTCTCTCAATTTCAACAAGACAAACAACAGTT-3'
Protein context (NP_000050.3, residues 2135-2155): NLNVEGGSSE[Asn2145Thr]NHSIKVSPYL